The following is an entry in ClinVar:

ClinVar aggregate classification (germline): Likely pathogenic. Review status: criteria provided, single submitter (1 of 4 stars). 2 submissions from 2 submitters: Likely pathogenic (1). 1 of the submissions does not count toward it. Last evaluated 2017-06-28.

Conditions:
Charcot-Marie-Tooth disease. Also called: Charcot-Marie-Tooth Neuropathy; Charcot-Marie-Tooth Hereditary Neuropathy. Identifiers: Orphanet 166, MedGen C0007959, MONDO:0015626.
Charcot-Marie-Tooth disease, type I (CMT1). Also called: Charcot-Marie-Tooth, Type 1; Charcot-Marie-Tooth disease type 1. Identifiers: Orphanet 65753, MedGen C0751036, MONDO:0019011.

Submissions (2):

Labcorp Genetics (formerly Invitae), Labcorp
Classification: Likely pathogenic for Charcot-Marie-Tooth disease, type I. Last evaluated: 2017-06-28. Review status: criteria provided, single submitter. Criteria: Invitae Variant Classification Sherloc (09022015). Collection method: clinical testing. Allele origin: germline.
Comment: In summary, the currently available evidence indicates that the variant is pathogenic, but additional data are needed to prove that conclusively. Therefore, this variant has been classified as Likely Pathogenic. Algorithms developed to predict the effect of missense changes on protein structure and function (SIFT, PolyPhen-2, Align-GVGD) all suggest that this variant is likely to be disruptive, but these predictions have not been confirmed by published functional studies and their clinical significance is uncertain. This variant has been reported in several individuals affected with Charcot Marie Tooth disease type 1 (PMID: 9452099, 21256749, 26310628, 9888385). This variant is not present in population databases (ExAC no frequency). This sequence change replaces isoleucine with threonine at codon 112 of the MPZ protein (p.Ile112Thr). The isoleucine residue is highly conserved and there is a moderate physicochemical difference between isoleucine and threonine.

Inherited Neuropathy Consortium
Classification: Uncertain significance for Charcot-Marie-Tooth disease. Review status: no assertion criteria provided. Collection method: literature only. Allele origin: germline. Affected: yes. Not counted in ClinVar's aggregate classification.

Literature cited by the submitters: PubMed 9452099 (cited by Labcorp Genetics (formerly Invitae), Labcorp and Inherited Neuropathy Consortium); PubMed 21256749 (cited by Labcorp Genetics (formerly Invitae), Labcorp); PubMed 26310628 (cited by Labcorp Genetics (formerly Invitae), Labcorp); PubMed 9888385 (cited by Labcorp Genetics (formerly Invitae), Labcorp).

NM_000530.8(MPZ):c.335T>C (p.Ile112Thr)

Gene: MPZ (myelin protein zero; minus strand). Cytogenetic location: 1q23.3.
Variant type: single nucleotide variant.
Coding change: c.335T>C on transcript NM_000530.8 (MANE Select); coding-DNA position 335, T replaced by C.
Protein change: p.Ile112Thr; replaces isoleucine 112 with threonine.
Molecular consequence: missense variant.
Genome position (GRCh38, 1-based): chr1:161,306,821, A>G on the plus strand (T>C on the coding strand, the complement: MPZ is on the minus strand). VCF-style: chr1-161306821-A-G. GRCh37 (hg19) VCF-style: chr1-161276611-A-G.
Other names: c.335T>C (LRG_256t1); c.335T>C, p.Ile112Thr (NM_001315491.2); short protein forms I112T.
Identifiers: ClinVar variation 462795 (VCV000462795.9), dbSNP rs1553259662, ClinGen allele CA343349284.